The following is an entry in ClinVar:

NM_006096.4(NDRG1):c.855+148T>C

Gene: NDRG1 (N-myc downstream regulated 1; minus strand). Cytogenetic location: 8q24.22.
Variant type: single nucleotide variant.
Coding change: c.855+148T>C on transcript NM_006096.4 (MANE Select); 148 bases into the intron after coding-DNA position 855, T replaced by C.
Molecular consequence: intron variant.
Genome position (GRCh38, 1-based): chr8:133,246,468, A>G on the plus strand (T>C on the coding strand, the complement: NDRG1 is on the minus strand). VCF-style: chr8-133246468-A-G. GRCh37 (hg19) VCF-style: chr8-134258711-A-G.
Other names: c.657+148T>C (NM_001258432.2, NM_001374847.1); c.612+148T>C (NM_001258433.2); c.906+148T>C (NM_001374844.1); c.855+148T>C (NM_001135242.2, NM_001374845.1, NM_001374846.1).
Identifiers: ClinVar variation 667649 (VCV000667649.5), dbSNP rs2233339, ClinGen allele CA12923752.
Genomic context (GRCh38, chr8:133,246,468, plus strand): 5'-TGCAGTCCCAGAGAAGGATCCCTCATCTTTGCAGCCTCAGATCACCAGTCAGCACCCAAT[A>G]TATGTTCATAAACAGATAGATTAAATCATTAATTCTATAGTTTCTGATCGTGTGCCTTGC-3'

ClinVar aggregate classification (germline): Benign. Review status: criteria provided, multiple submitters, no conflicts (2 of 4 stars). 3 submissions from 3 submitters: Benign (3). Last evaluated 2021-07-10.

Conditions:
Charcot-Marie-Tooth disease type 4D. Also called: Charcot-Marie-Tooth Neuropathy Type 4D; CHARCOT-MARIE-TOOTH DISEASE, DEMYELINATING, AUTOSOMAL RECESSIVE, TYPE 4D; CHARCOT-MARIE-TOOTH DISEASE, DEMYELINATING, TYPE 4D; NEUROPATHY, HEREDITARY MOTOR AND SENSORY, LOM TYPE. Identifiers: Orphanet 99950, MedGen C1832334, MONDO:0011085, OMIM 601455.

Allele frequency attached by ClinVar (database versions not stated): gnomAD 0.26454 and 0.27492; TOPMed 0.26761; gnomAD exomes 0.32130; 1000 Genomes Project 30x 0.33073; 1000 Genomes Project 0.33746.

Submissions (3):

Genome-Nilou Lab
Classification: Benign for Charcot-Marie-Tooth disease type 4D. Last evaluated: 2021-07-10. Review status: criteria provided, single submitter. Criteria: ACMG Guidelines, 2015. Collection method: clinical testing. Allele origin: germline. Affected: no.

GeneDx
Classification: Benign. Last evaluated: 2018-06-19. Review status: criteria provided, single submitter. Criteria: GeneDx Variant Classification (06012015). Collection method: clinical testing. Allele origin: germline. Affected: yes.
Comment: This variant is considered likely benign or benign based on one or more of the following criteria: it is a conservative change, it occurs at a poorly conserved position in the protein, it is predicted to be benign by multiple in silico algorithms, and/or has population frequency not consistent with disease.

Breakthrough Genomics
Classification: Benign. Review status: criteria provided, single submitter. Criteria: ACMG Guidelines, 2015. Collection method: not provided. Allele origin: germline. Inheritance: Autosomal recessive inheritance. Affected: yes.